The following is an entry in ClinVar:

NM_000179.3(MSH6):c.4074G>T (p.Lys1358Asn)

Gene: MSH6 (mutS homolog 6; plus strand). Cytogenetic location: 2p16.3.
Variant type: single nucleotide variant.
Coding change: c.4074G>T on transcript NM_000179.3 (MANE Select); coding-DNA position 4074, G replaced by T.
Protein change: p.Lys1358Asn; replaces lysine 1358 with asparagine.
Molecular consequence: missense variant.
Genome position (GRCh38, 1-based): chr2:47,806,851, G>T. VCF-style: chr2-47806851-G-T. GRCh37 (hg19) VCF-style: chr2-48033990-G-T.
Other names: c.3684G>T, p.Lys1228Asn (NM_001281492.2); c.3168G>T, p.Lys1056Asn (NM_001281493.2, NM_001281494.2); short protein forms K1228N, K1358N, K1056N.
Identifiers: ClinVar variation 1372527 (VCV001372527.8), dbSNP rs759392159, ClinGen allele CA072859.
Genomic context (GRCh38, chr2:47,806,851, plus strand): 5'-GGCTAGTGAAAGGTCAACTGTAGATGCTGAAGCTGTCCATAAATTGCTGACTTTGATTAA[G>T]GAATTATAGACTGACTACATTGGAAGCTTTGAGTTGACTTCTGACAAAGGTGGTAAATTC-3'
Protein context (NP_000170.1, residues 1348-1360): EAVHKLLTLI[Lys1358Asn]EL

ClinVar aggregate classification (germline): Uncertain significance. Review status: criteria provided, multiple submitters, no conflicts (2 of 4 stars). 2 submissions from 2 submitters: Uncertain significance (2). Last evaluated 2021-08-04.

Conditions:
Hereditary nonpolyposis colorectal neoplasms. Identifiers: MedGen C0009405, MeSH D003123.
Hereditary cancer-predisposing syndrome. Also called: Neoplastic Syndromes, Hereditary; Tumor predisposition; Hereditary neoplastic syndrome; Hereditary Cancer Syndrome. Identifiers: Orphanet 140162, MedGen C0027672, MeSH D009386, MONDO:0015356.

Allele frequency attached by ClinVar (database versions not stated): gnomAD exomes below 0.00001; ExAC 0.00001.
gnomAD v4.1: 1 of 1,610,228 alleles (0.000062%); highest among the groups gnomAD compares: Non-Finnish European, 0.000085%; no homozygotes.

Submissions (2):

Labcorp Genetics (formerly Invitae), Labcorp
Classification: Uncertain significance for Hereditary nonpolyposis colorectal neoplasms. Last evaluated: 2021-08-04. Review status: criteria provided, single submitter. Criteria: Invitae Variant Classification Sherloc (09022015). Collection method: clinical testing. Allele origin: germline.
Comment: This sequence change replaces lysine with asparagine at codon 1358 of the MSH6 protein (p.Lys1358Asn). The lysine residue is weakly conserved and there is a moderate physicochemical difference between lysine and asparagine. This variant is present in population databases (rs759392159, ExAC 0.002%). In summary, the available evidence is currently insufficient to determine the role of this variant in disease. Therefore, it has been classified as a Variant of Uncertain Significance. Advanced modeling of protein sequence and biophysical properties (such as structural, functional, and spatial information, amino acid conservation, physicochemical variation, residue mobility, and thermodynamic stability) performed at Invitae indicates that this missense variant is not expected to disrupt MSH6 protein function. This variant has not been reported in the literature in individuals affected with MSH6-related conditions.

Ambry Genetics
Classification: Uncertain significance for Hereditary cancer-predisposing syndrome. Last evaluated: 2019-10-08. Review status: criteria provided, single submitter. Criteria: Ambry Variant Classification Scheme 2023. Collection method: clinical testing. Allele origin: germline.
Comment: The p.K1358N variant (also known as c.4074G>T), located in coding exon 10 of the MSH6 gene, results from a G to T substitution at nucleotide position 4074. The lysine at codon 1358 is replaced by asparagine, an amino acid with similar properties. This amino acid position is not well conserved in available vertebrate species. In addition, this alteration is predicted to be tolerated by in silico analysis. Since supporting evidence is limited at this time, the clinical significance of this alteration remains unclear.